The following is an entry in ClinVar:

ClinVar aggregate classification (germline): Uncertain significance (1 of 4 stars; one submission).

Submission:

Ambry Genetics
Classification: Uncertain significance. Last evaluated: 2025-09-14. Review status: criteria provided, single submitter. Criteria: Ambry Variant Classification Scheme 2023. Collection method: clinical testing. Allele origin: germline.
Comment: The p.M15R variant (also known as c.44T>G), located in coding exon 1 of the WNK2 gene, results from a T to G substitution at nucleotide position 44. The methionine at codon 15 is replaced by arginine, an amino acid with similar properties. This amino acid position is conserved. In addition, this alteration is predicted to be tolerated by in silico analysis. Based on the available evidence, the clinical significance of this variant remains unclear.

NM_006648.4(WNK2):c.44T>G (p.Met15Arg)

Gene: WNK2 (WNK lysine deficient protein kinase 2; plus strand). Cytogenetic location: 9q22.31.
Variant type: single nucleotide variant.
Coding change: c.44T>G on transcript NM_006648.4 (MANE Select); coding-DNA position 44, T replaced by G.
Protein change: p.Met15Arg; replaces methionine 15 with arginine.
Molecular consequence: missense variant.
Genome position (GRCh38, 1-based): chr9:93,184,973, T>G. VCF-style: chr9-93184973-T-G. GRCh37 (hg19) VCF-style: chr9-95947255-T-G.
Other names: c.44T>G, p.Met15Arg (NM_001282394.3); short protein forms M15R.
Identifiers: ClinVar variation 4201916 (VCV004201916.1).